The following is an entry in ClinVar:

NC_000023.10:g.(?_77264589)_(77264770_?)dup

Gene: ATP7A (ATPase copper transporting alpha; plus strand). Cytogenetic location: Xq21.1.
Variant type: Duplication.
Identifiers: ClinVar variation 1039602 (VCV001039602.1).

ClinVar aggregate classification (germline): Uncertain significance (1 of 4 stars; one submission).

Conditions:
Menkes kinky-hair syndrome (MNK). Also called: Copper transport disease; Classic Menkes Disease; Menkes Disease. Identifiers: Orphanet 565, MedGen C0022716, MONDO:0010651, OMIM 309400.
Cutis laxa, X-linked (OHS). Also called: EDS IX; Occipital horn syndrome. Identifiers: Orphanet 198, MedGen C0268353, MONDO:0010572, OMIM 304150.
X-linked distal spinal muscular atrophy type 3. Also called: SPINAL MUSCULAR ATROPHY, DISTAL, X-LINKED RECESSIVE; ATP7A-Related Distal Motor Neuropathy; NEURONOPATHY, DISTAL HEREDITARY MOTOR, X-LINKED; NEUROPATHY, DISTAL HEREDITARY MOTOR, X-LINKED. Identifiers: Orphanet 139557, MedGen C1845359, MONDO:0010338, OMIM 300489.

Submission:

Labcorp Genetics (formerly Invitae), Labcorp
Classification: Uncertain significance for X-linked distal spinal muscular atrophy type 3; Cutis laxa, X-linked; Menkes kinky-hair syndrome. Last evaluated: 2020-10-13. Review status: criteria provided, single submitter. Criteria: Invitae Variant Classification Sherloc (09022015). Collection method: clinical testing. Allele origin: germline.
Comment: This variant results in a copy number gain of the genomic region encompassing exon(s) 7 of the ATP7A gene. While the exact position of this variant cannot be determined from the data, sub-genic copy number gains are generally in tandem (PMID: 25640679). This variant is predicted to be in-frame, and likely preserves the integrity of the reading frame. This variant has not been reported in the literature in individuals with ATP7A-related conditions. Experimental studies and prediction algorithms are not available or were not evaluated, and the functional significance of this variant is currently unknown. In summary, the available evidence is currently insufficient to determine the role of this variant in disease. Therefore, it has been classified as a Variant of Uncertain Significance.

Literature cited by the submitters: PubMed 25640679.